The following is an entry in ClinVar:

ClinVar aggregate classification (germline): Uncertain significance (1 of 4 stars; one submission).

gnomAD v4.1: 25 of 1,614,150 alleles (0.0015%); highest among the groups gnomAD compares: Admixed American, 0.013%; no homozygotes.

Submission:

Labcorp Genetics (formerly Invitae), Labcorp
Classification: Uncertain significance. Last evaluated: 2025-09-30. Review status: criteria provided, single submitter. Criteria: Invitae Variant Classification Sherloc (09022015). Collection method: clinical testing. Allele origin: germline.
Comment: This sequence change replaces proline, which is neutral and non-polar, with leucine, which is neutral and non-polar, at codon 761 of the ADAMTS17 protein (p.Pro761Leu). This variant is present in population databases (rs199838182, gnomAD 0.009%). This variant has not been reported in the literature in individuals affected with ADAMTS17-related conditions. ClinVar contains an entry for this variant (Variation ID: 1907708). An algorithm developed to predict the effect of missense changes on protein structure and function (PolyPhen-2) suggests that this variant is likely to be disruptive. In summary, the available evidence is currently insufficient to determine the role of this variant in disease. Therefore, it has been classified as a Variant of Uncertain Significance.

NM_139057.4(ADAMTS17):c.2282C>T (p.Pro761Leu)

Gene: ADAMTS17 (ADAM metallopeptidase with thrombospondin type 1 motif 17; minus strand). Cytogenetic location: 15q26.3.
Variant type: single nucleotide variant.
Coding change: c.2282C>T on transcript NM_139057.4 (MANE Select); coding-DNA position 2282, C replaced by T.
Protein change: p.Pro761Leu; replaces proline 761 with leucine.
Molecular consequence: missense variant.
Genome position (GRCh38, 1-based): chr15:100,053,910, G>A on the plus strand (C>T on the coding strand, the complement: ADAMTS17 is on the minus strand). VCF-style: chr15-100053910-G-A. GRCh37 (hg19) VCF-style: chr15-100594115-G-A.
Other names: short protein forms P761L.
Identifiers: ClinVar variation 1907708 (VCV001907708.5), dbSNP rs199838182, ClinGen allele CA7757810.